The following is an entry in ClinVar:

ClinVar aggregate classification (germline): Uncertain significance. Review status: criteria provided, multiple submitters, no conflicts (2 of 4 stars). 2 submissions from 2 submitters: Uncertain significance (2). Last evaluated 2024-03-08.

Conditions:
Hereditary cancer-predisposing syndrome. Also called: Hereditary neoplastic syndrome; Neoplastic Syndromes, Hereditary; Tumor predisposition; Hereditary Cancer Syndrome. Identifiers: Orphanet 140162, MedGen C0027672, MeSH D009386, MONDO:0015356.
Neuroblastoma, susceptibility to, 3. Also called: ALK-Related Neuroblastic Tumor Susceptibility. Identifiers: Orphanet 635, MedGen C2751681, MONDO:0013083, OMIM 613014.

Submissions (2):

Ambry Genetics
Classification: Uncertain significance for Hereditary cancer-predisposing syndrome. Last evaluated: 2024-03-08. Review status: criteria provided, single submitter. Criteria: Ambry Variant Classification Scheme 2023. Collection method: clinical testing. Allele origin: germline.
Comment: The p.G1552A variant (also known as c.4655G>C), located in coding exon 29 of the ALK gene, results from a G to C substitution at nucleotide position 4655. The glycine at codon 1552 is replaced by alanine, an amino acid with similar properties. This amino acid position is conserved. In addition, this alteration is predicted to be tolerated by in silico analysis. Based on the available evidence, the clinical significance of this alteration remains unclear.

Labcorp Genetics (formerly Invitae), Labcorp
Classification: Uncertain significance for Neuroblastoma, susceptibility to, 3. Last evaluated: 2022-08-09. Review status: criteria provided, single submitter. Criteria: Invitae Variant Classification Sherloc (09022015). Collection method: clinical testing. Allele origin: germline.
Comment: This variant has not been reported in the literature in individuals affected with ALK-related conditions. ClinVar contains an entry for this variant (Variation ID: 1008474). Algorithms developed to predict the effect of missense changes on protein structure and function (SIFT, PolyPhen-2, Align-GVGD) all suggest that this variant is likely to be tolerated. In summary, the available evidence is currently insufficient to determine the role of this variant in disease. Therefore, it has been classified as a Variant of Uncertain Significance. This sequence change replaces glycine, which is neutral and non-polar, with alanine, which is neutral and non-polar, at codon 1552 of the ALK protein (p.Gly1552Ala). This variant is not present in population databases (gnomAD no frequency).

NM_004304.5(ALK):c.4655G>C (p.Gly1552Ala)

Gene: ALK (ALK receptor tyrosine kinase; minus strand). Cytogenetic location: 2p23.2.
Variant type: single nucleotide variant.
Coding change: c.4655G>C on transcript NM_004304.5 (MANE Select); coding-DNA position 4655, G replaced by C.
Protein change: p.Gly1552Ala; replaces glycine 1552 with alanine.
Molecular consequence: missense variant.
Genome position (GRCh38, 1-based): chr2:29,193,432, C>G on the plus strand (G>C on the coding strand, the complement: ALK is on the minus strand). VCF-style: chr2-29193432-C-G. GRCh37 (hg19) VCF-style: chr2-29416298-C-G.
Other names: c.1451G>C, p.Gly484Ala (NM_001353765.2); c.4655G>C (NM_004304.4); short protein forms G1552A, G484A.
Identifiers: ClinVar variation 1008474 (VCV001008474.9), dbSNP rs1668929634, ClinGen allele CA346460517.
Genomic context (GRCh38, chr2:29,193,432, plus strand): 5'-AACAGAGGTACCTCCTTCATATTGGCAGTCAGCGAAGAGGGCTCTAGGAGCAGTGAGGCC[C>G]CCGGAAGTCTCCCAGTTGCAACGTTAGGTGGGACAGTACAGCTTCCCTCCAGCCCCAGGT-3'
Protein context (NP_004295.2, residues 1542-1562): PPNVATGRLP[Gly1552Ala]ASLLLEPSSL